The following is an entry in ClinVar:

ClinVar aggregate classification (germline): Uncertain significance (1 of 4 stars; one submission).

Submission:

Labcorp Genetics (formerly Invitae), Labcorp
Classification: Uncertain significance. Last evaluated: 2022-11-08. Review status: criteria provided, single submitter. Criteria: Invitae Variant Classification Sherloc (09022015). Collection method: clinical testing. Allele origin: germline.
Comment: In summary, the available evidence is currently insufficient to determine the role of this variant in disease. Therefore, it has been classified as a Variant of Uncertain Significance. Advanced modeling of protein sequence and biophysical properties (such as structural, functional, and spatial information, amino acid conservation, physicochemical variation, residue mobility, and thermodynamic stability) performed at Invitae indicates that this missense variant is not expected to disrupt ZNF335 protein function. This variant has not been reported in the literature in individuals affected with ZNF335-related conditions. This variant is not present in population databases (gnomAD no frequency). This sequence change replaces cysteine, which is neutral and slightly polar, with phenylalanine, which is neutral and non-polar, at codon 525 of the ZNF335 protein (p.Cys525Phe).

NM_022095.4(ZNF335):c.1574G>T (p.Cys525Phe)

Gene: ZNF335 (zinc finger protein 335; minus strand). Cytogenetic location: 20q13.12.
Variant type: single nucleotide variant.
Coding change: c.1574G>T on transcript NM_022095.4 (MANE Select); coding-DNA position 1574, G replaced by T.
Protein change: p.Cys525Phe; replaces cysteine 525 with phenylalanine.
Molecular consequence: missense variant.
Genome position (GRCh38, 1-based): chr20:45,962,142, C>A on the plus strand (G>T on the coding strand, the complement: ZNF335 is on the minus strand). VCF-style: chr20-45962142-C-A. GRCh37 (hg19) VCF-style: chr20-44590781-C-A.
Other names: short protein forms C525F.
Identifiers: ClinVar variation 1974302 (VCV001974302.5), dbSNP rs1426418813, ClinGen allele CA409248329.
Genomic context (GRCh38, chr20:45,962,142, plus strand): 5'-TGCACAGCGGCGTGCCGAATGACGTCCTTCCGGTAGACACTGGTGTAGCTGCACTCGTCA[C>A]ACTTGTAGGGCTTGCTGCCCACGTGGTTGAACATGTGCTCCTGGGAGACAGACAAAAGGA-3'
Protein context (NP_071378.1, residues 515-535): FNHVGSKPYK[Cys525Phe]DECSYTSVYR